The following is an entry in ClinVar:

NM_017909.4(RMND1):c.980A>T (p.Glu327Val)

Gene: RMND1 (required for meiotic nuclear division 1 homolog; minus strand). Cytogenetic location: 6q25.1.
Variant type: single nucleotide variant.
Coding change: c.980A>T on transcript NM_017909.4 (MANE Select); coding-DNA position 980, A replaced by T.
Protein change: p.Glu327Val; replaces glutamic acid 327 with valine.
Molecular consequence: missense variant.
Genome position (GRCh38, 1-based): chr6:151,422,563, T>A on the plus strand (A>T on the coding strand, the complement: RMND1 is on the minus strand). VCF-style: chr6-151422563-T-A. GRCh37 (hg19) VCF-style: chr6-151743698-T-A.
Other names: c.470A>T, p.Glu157Val (NM_001271937.2); short protein forms E157V, E327V.
Identifiers: ClinVar variation 1517442 (VCV001517442.6), dbSNP rs2114937293, ClinGen allele CA366060197.

ClinVar aggregate classification (germline): Uncertain significance (1 of 4 stars; one submission).

Allele frequency attached by ClinVar (database versions not stated): gnomAD exomes below 0.00001.
gnomAD v4.1: 1 of 1,538,214 alleles (0.000065%); highest among the groups gnomAD compares: Non-Finnish European, 0.000088%; no homozygotes.

Submission:

Labcorp Genetics (formerly Invitae), Labcorp
Classification: Uncertain significance. Last evaluated: 2022-03-22. Review status: criteria provided, single submitter. Criteria: Invitae Variant Classification Sherloc (09022015). Collection method: clinical testing. Allele origin: germline.
Comment: In summary, the available evidence is currently insufficient to determine the role of this variant in disease. Therefore, it has been classified as a Variant of Uncertain Significance. Algorithms developed to predict the effect of missense changes on protein structure and function are either unavailable or do not agree on the potential impact of this missense change (SIFT: "Deleterious"; PolyPhen-2: "Probably Damaging"; Align-GVGD: "Class C15"). This variant has not been reported in the literature in individuals affected with RMND1-related conditions. This variant is not present in population databases (gnomAD no frequency). This sequence change replaces glutamic acid, which is acidic and polar, with valine, which is neutral and non-polar, at codon 327 of the RMND1 protein (p.Glu327Val).